The following is an entry in ClinVar:

ClinVar aggregate classification (germline): Uncertain significance (1 of 4 stars; one submission).

Conditions:
Intellectual developmental disorder, X-linked, syndromic, Hedera type. Also called: Syndromic X-linked intellectual disability Hedera type. Identifiers: Orphanet 93952, MedGen C1845543, MONDO:0010319, OMIM 300423.

Submission:

Labcorp Genetics (formerly Invitae), Labcorp
Classification: Uncertain significance for Intellectual developmental disorder, X-linked, syndromic, Hedera type. Last evaluated: 2022-06-20. Review status: criteria provided, single submitter. Criteria: Invitae Variant Classification Sherloc (09022015). Collection method: clinical testing. Allele origin: germline.
Comment: In summary, the available evidence is currently insufficient to determine the role of this variant in disease. Therefore, it has been classified as a Variant of Uncertain Significance. Algorithms developed to predict the effect of sequence changes on RNA splicing suggest that this variant may disrupt the consensus splice site. Algorithms developed to predict the effect of missense changes on protein structure and function output the following: SIFT: "Tolerated"; PolyPhen-2: "Benign"; Align-GVGD: "Class C0". The alanine amino acid residue is found in multiple mammalian species, which suggests that this missense change does not adversely affect protein function. This variant has not been reported in the literature in individuals affected with ATP6AP2-related conditions. This variant is not present in population databases (gnomAD no frequency). This sequence change replaces valine, which is neutral and non-polar, with alanine, which is neutral and non-polar, at codon 179 of the ATP6AP2 protein (p.Val179Ala).

NM_005765.3(ATP6AP2):c.536T>C (p.Val179Ala)

Gene: ATP6AP2 (ATPase H+ transporting accessory protein 2; plus strand). Cytogenetic location: Xp11.4.
Variant type: single nucleotide variant.
Coding change: c.536T>C on transcript NM_005765.3 (MANE Select); coding-DNA position 536, T replaced by C.
Protein change: p.Val179Ala; replaces valine 179 with alanine.
Molecular consequence: missense variant.
Genome position (GRCh38, 1-based): chrX:40,598,682, T>C. VCF-style: chrX-40598682-T-C. GRCh37 (hg19) VCF-style: chrX-40457934-T-C.
Other names: short protein forms V179A.
Identifiers: ClinVar variation 1359640 (VCV001359640.8), dbSNP rs773037776, ClinGen allele CA412756152.